The following is an entry in ClinVar:

NM_001458.5(FLNC):c.925G>A (p.Glu309Lys)

Gene: FLNC (filamin C; plus strand). Cytogenetic location: 7q32.1.
Variant type: single nucleotide variant.
Coding change: c.925G>A on transcript NM_001458.5 (MANE Select); coding-DNA position 925, G replaced by A.
Protein change: p.Glu309Lys; replaces glutamic acid 309 with lysine.
Molecular consequence: missense variant.
Genome position (GRCh38, 1-based): chr7:128,837,711, G>A. VCF-style: chr7-128837711-G-A. GRCh37 (hg19) VCF-style: chr7-128477765-G-A.
Other names: c.925G>A, p.Glu309Lys (NM_001127487.2); short protein forms E309K.
Identifiers: ClinVar variation 566787 (VCV000566787.17), dbSNP rs781212262, ClinGen allele CA4474171.

ClinVar aggregate classification (germline): Conflicting classifications of pathogenicity. Review status: criteria provided, conflicting classifications (1 of 4 stars). 5 submissions from 5 submitters: Uncertain significance (4); Likely benign (1). Last evaluated 2026-01-26.

Conditions:
Cardiovascular phenotype. Identifiers: MedGen CN230736.
Myofibrillar myopathy 5. Also called: Filaminopathy (type); FILAMINOPATHY, AUTOSOMAL DOMINANT. Identifiers: Orphanet 171445, MedGen C1836050, MONDO:0012289, OMIM 609524.
Hypertrophic cardiomyopathy 26. Also called: Cardiomyopathy, familial hypertrophic, 26. Identifiers: Orphanet 75249, MedGen C4310749, MONDO:0014883, OMIM 617047.
Distal myopathy with posterior leg and anterior hand involvement. Also called: WILLIAMS DISTAL MYOPATHY. Identifiers: Orphanet 63273, MedGen C3279722, MONDO:0013550, OMIM 614065.
Cardiomyopathy (CMYO). Also called: Cardiomyopathies. Identifiers: Orphanet 167848, MedGen C0878544, MONDO:0004994, HP:0001638. Inheritance: Various modes of inheritance.

Allele frequency attached by ClinVar (database versions not stated): gnomAD exomes 0.00001; ExAC 0.00003; gnomAD 0.00003 and 0.00004; TOPMed 0.00003.
gnomAD v4.1: 22 of 1,605,628 alleles (0.0014%); highest among the groups gnomAD compares: African/African-American, 0.008%; no homozygotes.

Submissions (5):

Labcorp Genetics (formerly Invitae), Labcorp
Classification: Uncertain significance for Distal myopathy with posterior leg and anterior hand involvement; Myofibrillar myopathy 5; Hypertrophic cardiomyopathy 26. Last evaluated: 2026-01-26. Review status: criteria provided, single submitter. Criteria: Invitae Variant Classification Sherloc (09022015). Collection method: clinical testing. Allele origin: germline.
Comment: This sequence change replaces glutamic acid, which is acidic and polar, with lysine, which is basic and polar, at codon 309 of the FLNC protein (p.Glu309Lys). This variant is present in population databases (rs781212262, gnomAD 0.01%). This missense change has been observed in individual(s) with clinical features of myofibrillar myopathy and/or sporadic inclusion body myositis and frontotemporal dementia (PMID: 25617006, 26555887, 34411373). ClinVar contains an entry for this variant (Variation ID: 566787). Invitae Evidence Modeling of protein sequence and biophysical properties (such as structural, functional, and spatial information, amino acid conservation, physicochemical variation, residue mobility, and thermodynamic stability) has been performed for this missense variant. However, the output from this modeling did not meet the statistical confidence thresholds required to predict the impact of this variant on FLNC protein function. In summary, the available evidence is currently insufficient to determine the role of this variant in disease. Therefore, it has been classified as a Variant of Uncertain Significance.

Ambry Genetics
Classification: Uncertain significance for Cardiovascular phenotype. Last evaluated: 2025-10-31. Review status: criteria provided, single submitter. Criteria: Ambry Variant Classification Scheme 2023. Collection method: clinical testing. Allele origin: germline.
Comment: The p.E309K variant (also known as c.925G>A), located in coding exon 5 of the FLNC gene, results from a G to A substitution at nucleotide position 925. The glutamic acid at codon 309 is replaced by lysine, an amino acid with similar properties. This variant has been detected in frontotemporal dementia and inclusion body myositis cohorts; however, details were limited (Janssens J et al. Acta Neuropathol Commun, 2015 Nov;3:68; Weihl CC et al. Neuromuscul Disord, 2015 Apr;25:289-96). This variant has also been detected in a proband with skeletal myopathy and atrial arrhythmia and a sibling with atrial arrhythmia (Conte G et al. J Cardiovasc Electrophysiol. 2021 Oct;32(10):2777-2780). This amino acid position is well conserved in available vertebrate species. In addition, the in silico prediction for this alteration is inconclusive. Based on the available evidence, the clinical significance of this variant remains unclear.

Blueprint Genetics
Classification: Likely benign. Last evaluated: 2024-01-24. Review status: criteria provided, single submitter. Criteria: ACMG Guidelines, 2015. Collection method: clinical testing. Allele origin: germline.

CHEO Genetics Diagnostic Laboratory, Children's Hospital of Eastern Ontario
Classification: Uncertain significance for Cardiomyopathy. Last evaluated: 2023-01-11. Review status: criteria provided, single submitter. Criteria: ACMG Guidelines, 2015. Collection method: clinical testing. Allele origin: germline.

Fulgent Genetics
Classification: Uncertain significance for Myofibrillar myopathy 5; Distal myopathy with posterior leg and anterior hand involvement; Hypertrophic cardiomyopathy 26. Last evaluated: 2018-10-31. Review status: criteria provided, single submitter. Criteria: ACMG Guidelines, 2015. Collection method: clinical testing. Allele origin: unknown.

Literature cited by the submitters: PubMed 25617006 (cited by Labcorp Genetics (formerly Invitae), Labcorp and Ambry Genetics); PubMed 26555887 (cited by Labcorp Genetics (formerly Invitae), Labcorp and Ambry Genetics); PubMed 34411373 (cited by Labcorp Genetics (formerly Invitae), Labcorp and Ambry Genetics); PubMed 37280362 (cited by Ambry Genetics).